The following is an entry in ClinVar:

ClinVar aggregate classification (germline): Uncertain significance (1 of 4 stars; one submission).

Conditions:
Vitamin B2 deficiency. Identifiers: MedGen C0035528.

Allele frequency attached by ClinVar (database versions not stated): ESP Exome Variant Server 0.00008; ExAC 0.00012; gnomAD 0.00014 and 0.00015; TOPMed 0.00015; gnomAD exomes 0.00020.

Submission:

Labcorp Genetics (formerly Invitae), Labcorp
Classification: Uncertain significance for Vitamin B2 deficiency. Last evaluated: 2026-01-15. Review status: criteria provided, single submitter. Criteria: Invitae Variant Classification Sherloc (09022015). Collection method: clinical testing. Allele origin: germline.
Comment: This sequence change replaces proline, which is neutral and non-polar, with leucine, which is neutral and non-polar, at codon 257 of the SLC52A1 protein (p.Pro257Leu). This variant is present in population databases (rs199704379, gnomAD 0.1%), and has an allele count higher than expected for a pathogenic variant. This variant has not been reported in the literature in individuals affected with SLC52A1-related conditions. ClinVar contains an entry for this variant (Variation ID: 1039637). Invitae Evidence Modeling of protein sequence and biophysical properties (such as structural, functional, and spatial information, amino acid conservation, physicochemical variation, residue mobility, and thermodynamic stability) indicates that this missense variant is not expected to disrupt SLC52A1 protein function with a negative predictive value of 80%. In summary, the available evidence is currently insufficient to determine the role of this variant in disease. Therefore, it has been classified as a Variant of Uncertain Significance.

NM_017986.4(SLC52A1):c.770C>T (p.Pro257Leu)

Gene: SLC52A1 (solute carrier family 52 member 1; minus strand). Cytogenetic location: 17p13.2.
Variant type: single nucleotide variant.
Coding change: c.770C>T on transcript NM_017986.4 (MANE Select); coding-DNA position 770, C replaced by T.
Protein change: p.Pro257Leu; replaces proline 257 with leucine.
Molecular consequence: missense variant.
Genome position (GRCh38, 1-based): chr17:5,033,719, G>A on the plus strand (C>T on the coding strand, the complement: SLC52A1 is on the minus strand). VCF-style: chr17-5033719-G-A. GRCh37 (hg19) VCF-style: chr17-4937014-G-A.
Other names: c.770C>T, p.Pro257Leu (NM_001104577.2); short protein forms P257L.
Identifiers: ClinVar variation 1039637 (VCV001039637.7), dbSNP rs199704379, ClinGen allele CA8319712.